The following is an entry in ClinVar:

NM_001379110.1(SLC9A6):c.170-6T>A

Gene: SLC9A6 (solute carrier family 9 member A6; plus strand). Cytogenetic location: Xq26.3.
Variant type: single nucleotide variant.
Coding change: c.170-6T>A on transcript NM_001379110.1 (MANE Select); 6 bases into the intron before coding-DNA position 170, T replaced by A.
Molecular consequence: intron variant.
Genome position (GRCh38, 1-based): chrX:135,994,780, T>A. VCF-style: chrX-135994780-T-A. GRCh37 (hg19) VCF-style: chrX-135076939-T-A.
Other names: c.170-6T>A (NM_001177651.2, NM_001400913.1, NM_001400912.1 and 4 more transcripts); c.326-6T>A (NM_001042537.2, NM_006359.3).
Identifiers: ClinVar variation 3342245 (VCV003342245.16).
Genomic context (GRCh38, chrX:135,994,780, plus strand): 5'-TATGCGTGGGGTACAAAAGAAGTGGTCTCTGTCGGCAAGAAGAGCTTATGTTGTTCTTTT[T>A]TCCAGGTCTTTTGGTGGGCCTTGTGCTTCGGTATGGCATTCATGTTCCGAGTGATGTAAA-3'

ClinVar aggregate classification (germline): Likely benign (1 of 4 stars; one submission).

gnomAD v4.1: 2 of 1,210,364 alleles (0.00017%); highest among the groups gnomAD compares: Non-Finnish European, 0.00022%; no homozygotes.

Submission:

CeGaT Center for Human Genetics Tuebingen
Classification: Likely benign. Last evaluated: 2024-08-01. Review status: criteria provided, single submitter. Criteria: CeGaT Center For Human Genetics Tuebingen Variant Classification Criteria Version 2. Collection method: clinical testing. Allele origin: germline. Affected: yes. Observed: 1 variant allele.
Comment: SLC9A6: BP4